The following is an entry in ClinVar:

NM_001204.7(BMPR2):c.*5127C>T

Gene: BMPR2 (bone morphogenetic protein receptor type 2; plus strand). Cytogenetic location: 2q33.2.
Variant type: single nucleotide variant.
Coding change: c.*5127C>T on transcript NM_001204.7 (MANE Select); 5127 bases downstream of the stop codon, C replaced by T.
Molecular consequence: 3 prime UTR variant.
Genome position (GRCh38, 1-based): chr2:202,565,073, C>T. VCF-style: chr2-202565073-C-T. GRCh37 (hg19) VCF-style: chr2-203429796-C-T.
Identifiers: ClinVar variation 897524 (VCV000897524.4), dbSNP rs548771446, ClinGen allele CA64005507.

ClinVar aggregate classification (germline): Benign (1 of 4 stars; one submission).

Conditions:
Pulmonary hypertension, primary, 1 (PPH1). Also called: Pulmonary hypertension, familial primary, 1, with or without HHT. Identifiers: Orphanet 422, MedGen C4552070, MONDO:0024533, OMIM 178600.

Allele frequency attached by ClinVar (database versions not stated): 1000 Genomes Project 0.00040; TOPMed 0.00060; gnomAD 0.00056 and 0.00062; 1000 Genomes Project 30x 0.00031.

Submission:

Illumina Laboratory Services, Illumina
Classification: Benign for Pulmonary hypertension, primary, 1. Last evaluated: 2018-01-12. Review status: criteria provided, single submitter. Criteria: ICSL Variant Classification Criteria 13 December 2019. Collection method: clinical testing. Allele origin: germline.
Comment: This variant was observed in the ICSL laboratory as part of a predisposition screen in an ostensibly healthy population. It had not been previously curated by ICSL or reported in the Human Gene Mutation Database (HGMD: prior to June 1st, 2018), and was therefore a candidate for classification through an automated scoring system. Utilizing variant allele frequency, disease prevalence and penetrance estimates, and inheritance mode, an automated score was calculated to assess if this variant is too frequent to cause the disease. Based on the score and internal cut-off values, a variant classified as benign is not then subjected to further curation. The score for this variant resulted in a classification of benign for this disease.